The following is an entry in ClinVar:

NM_001206999.2(CIT):c.905C>A (p.Pro302His)

Gene: CIT (citron rho-interacting serine/threonine kinase; minus strand). Cytogenetic location: 12q24.23.
Variant type: single nucleotide variant.
Coding change: c.905C>A on transcript NM_001206999.2 (MANE Select); coding-DNA position 905, C replaced by A.
Protein change: p.Pro302His; replaces proline 302 with histidine.
Molecular consequence: missense variant.
Genome position (GRCh38, 1-based): chr12:119,825,217, G>T on the plus strand (C>A on the coding strand, the complement: CIT is on the minus strand). VCF-style: chr12-119825217-G-T. GRCh37 (hg19) VCF-style: chr12-120263021-G-T.
Other names: c.905C>A, p.Pro302His (NM_007174.3); short protein forms P302H.
Identifiers: ClinVar variation 3341311 (VCV003341311.1).

ClinVar aggregate classification (germline): Uncertain significance (1 of 4 stars; one submission).

Conditions:
Microcephaly 17, primary, autosomal recessive (MCPH17). Identifiers: Orphanet 2512, MedGen C4310723, MONDO:0014908, OMIM 617090.

gnomAD v4.1: 9 of 1,614,062 alleles (0.00056%); highest among the groups gnomAD compares: Middle Eastern, 0.016%; no homozygotes.

Submission:

Neuberg Centre For Genomic Medicine, NCGM
Classification: Uncertain significance for Microcephaly 17, primary, autosomal recessive. Last evaluated: 2023-05-20. Review status: criteria provided, single submitter. Criteria: ACMG Guidelines, 2015. Collection method: clinical testing. Allele origin: germline. Inheritance: Autosomal recessive inheritance. Affected: yes.
Comment: The observed missense c.905C>A(p.Pro302His) variant in CIT gene has not been reported previously as a pathogenic variant nor a benign variant, to our knowledge. The p.Pro302His variant has been reported with allele frequency of 0.0004% in gnomAD Exomes. This variant has not been submitted to the ClinVar database. Multiple lines of computational evidence (Polyphen - Probably damaging, SIFT - Damaging and MutationTaster - Disease causing) predict a damaging effect on protein structure and function for this variant. The amino acid change p.Pro302His in CIT is predicted as conserved by GERP++ and PhyloP across 100 vertebrates. The amino acid Pro at position 302 is changed to a His changing protein sequence and it might alter its composition and physico-chemical properties. For these reasons, this variant has been classified as a Variant of Uncertain Significance (VUS).